The following is an entry in ClinVar:

NM_206933.4(USH2A):c.1247C>A (p.Ala416Asp)

Gene: USH2A (usherin; minus strand). Cytogenetic location: 1q41.
Variant type: single nucleotide variant.
Coding change: c.1247C>A on transcript NM_206933.4 (MANE Select); coding-DNA position 1247, C replaced by A.
Protein change: p.Ala416Asp; replaces alanine 416 with aspartic acid.
Molecular consequence: missense variant.
Genome position (GRCh38, 1-based): chr1:216,324,249, G>T on the plus strand (C>A on the coding strand, the complement: USH2A is on the minus strand). VCF-style: chr1-216324249-G-T. GRCh37 (hg19) VCF-style: chr1-216497591-G-T.
Other names: c.1247C>A, p.Ala416Asp (NM_007123.6); short protein forms A416D.
Identifiers: ClinVar variation 3893424 (VCV003893424.1).
Genomic context (GRCh38, chr1:216,324,249, plus strand): 5'-ACAGAATCAGGTTTTTCCAAATCTCCATTGTTTTTCATTCCAAAAGCACCACAATTCCTG[G>T]CAAAATATTGCCAGTCCTCCCAATCTAAACTATTTTCCTTCTTCCTTTGAATCCTTATTT-3'
Protein context (NP_996816.3, residues 406-426): SLDWEDWQYF[Ala416Asp]RNCGAFGMKN

ClinVar aggregate classification (germline): Uncertain significance (1 of 4 stars; one submission).

Submission:

GeneDx
Classification: Uncertain significance. Last evaluated: 2024-10-23. Review status: criteria provided, single submitter. Criteria: GeneDx Variant Classification Process June 2021. Collection method: clinical testing. Allele origin: germline. Affected: yes.
Comment: Not observed at significant frequency in large population cohorts (gnomAD); In silico analysis supports that this missense variant has a deleterious effect on protein structure/function; Has not been previously published as pathogenic or benign to our knowledge